The following is an entry in ClinVar:

NM_001282225.2(ADA2):c.1501T>C (p.Trp501Arg)

Gene: ADA2 (adenosine deaminase 2; minus strand). Cytogenetic location: 22q11.1.
Variant type: single nucleotide variant.
Coding change: c.1501T>C on transcript NM_001282225.2 (MANE Select); coding-DNA position 1501, T replaced by C.
Protein change: p.Trp501Arg; replaces tryptophan 501 with arginine.
Molecular consequence: missense variant.
Genome position (GRCh38, 1-based): chr22:17,181,518, A>G on the plus strand (T>C on the coding strand, the complement: ADA2 is on the minus strand). VCF-style: chr22-17181518-A-G. GRCh37 (hg19) VCF-style: chr22-17662408-A-G.
Other names: c.1501T>C, p.Trp501Arg (NM_001282226.2); c.1375T>C, p.Trp459Arg (NM_001282227.2, NM_001282228.2); c.1141T>C, p.Trp381Arg (NM_001282229.2); c.778T>C, p.Trp260Arg (NM_177405.3); short protein forms W459R, W501R, W260R, W381R.
Identifiers: ClinVar variation 421492 (VCV000421492.2), dbSNP rs756397692, ClinGen allele CA10087837.

ClinVar aggregate classification (germline): Uncertain significance (1 of 4 stars; one submission).

Allele frequency attached by ClinVar (database versions not stated): ExAC 0.00001; gnomAD exomes below 0.00001.
gnomAD v4.1: 2 of 1,613,546 alleles (0.00012%); highest among the groups gnomAD compares: Non-Finnish European, 0.00017%; no homozygotes.

Submission:

GeneDx
Classification: Uncertain significance. Last evaluated: 2016-06-16. Review status: criteria provided, single submitter. Criteria: GeneDx Variant Classification (06012015). Collection method: clinical testing. Allele origin: germline. Affected: yes.
Comment: The W501R variant in the CECR1 gene has not been reported previously as a pathogenic variant, nor as a benign variant, to our knowledge. The W501R variant was not observed in approximately 6,500 individuals of European and African American ancestry in the NHLBI Exome Sequencing Project, indicating it is not a common benign variant in these populations. The W501R variant is a non-conservative amino acid substitution, which is likely to impact secondary protein structure as these residues differ in polarity, charge, size and/or other properties. This substitution occurs at a position that is conserved across species. In silico analysis predicts this variant is probably damaging to the protein structure/function. We interpret W501R as a variant of uncertain significance.